The following is an entry in ClinVar:

NM_001100.4(ACTA1):c.215C>T (p.Pro72Leu)

Gene: ACTA1 (actin alpha 1, skeletal muscle; minus strand). Cytogenetic location: 1q42.13.
Variant type: single nucleotide variant.
Coding change: c.215C>T on transcript NM_001100.4 (MANE Select); coding-DNA position 215, C replaced by T.
Protein change: p.Pro72Leu; replaces proline 72 with leucine.
Molecular consequence: missense variant.
Genome position (GRCh38, 1-based): chr1:229,432,795, G>A on the plus strand (C>T on the coding strand, the complement: ACTA1 is on the minus strand). VCF-style: chr1-229432795-G-A. GRCh37 (hg19) VCF-style: chr1-229568542-G-A.
Other names: short protein forms P72L.
Identifiers: ClinVar variation 2123531 (VCV002123531.4), dbSNP rs1659978909, ClinGen allele CA345150622.
Genomic context (GRCh38, chr1:229,432,795, plus strand): 5'-AAGGTGTGGTGCCAGATCTTCTCCATGTCATCCCAGTTGGTGATGATGCCGTGCTCGATA[G>A]GGTACTTCAGGGTCAGGATACCTCTCTTGCTCTGAGCCTCGTCGCCCACGTAGGAATCTT-3'
Protein context (NP_001091.1, residues 62-82): SKRGILTLKY[Pro72Leu]IEHGIITNWD

ClinVar aggregate classification (germline): Uncertain significance (1 of 4 stars; one submission).

Conditions:
Actin accumulation myopathy (CMYO2A). Also called: CONGENITAL MYOPATHY 2A, TYPICAL, AUTOSOMAL DOMINANT; Nemaline myopathy type 3; Myopathy, actin, congenital, with excess of thin myofilaments; Myopathy, actin, congenital, with cores; Nemaline myopathy 3, with intranuclear rods. Identifiers: Orphanet 98904, MedGen C3711389, MONDO:0008070, OMIM 161800.

Submission:

Labcorp Genetics (formerly Invitae), Labcorp
Classification: Uncertain significance for Actin accumulation myopathy. Last evaluated: 2022-04-09. Review status: criteria provided, single submitter. Criteria: Invitae Variant Classification Sherloc (09022015). Collection method: clinical testing. Allele origin: germline.
Comment: In summary, the available evidence is currently insufficient to determine the role of this variant in disease. Therefore, it has been classified as a Variant of Uncertain Significance. Advanced modeling of protein sequence and biophysical properties (such as structural, functional, and spatial information, amino acid conservation, physicochemical variation, residue mobility, and thermodynamic stability) performed at Invitae indicates that this missense variant is expected to disrupt ACTA1 protein function. This variant has not been reported in the literature in individuals affected with ACTA1-related conditions. This variant is not present in population databases (gnomAD no frequency). This sequence change replaces proline, which is neutral and non-polar, with leucine, which is neutral and non-polar, at codon 72 of the ACTA1 protein (p.Pro72Leu).